The following is an entry in ClinVar:

NM_003630.3(PEX3):c.212C>T (p.Ser71Phe)

Gene: PEX3 (peroxisomal biogenesis factor 3; plus strand). Cytogenetic location: 6q24.2.
Variant type: single nucleotide variant.
Coding change: c.212C>T on transcript NM_003630.3 (MANE Select); coding-DNA position 212, C replaced by T.
Protein change: p.Ser71Phe; replaces serine 71 with phenylalanine.
Molecular consequence: missense variant.
Genome position (GRCh38, 1-based): chr6:143,462,922, C>T. VCF-style: chr6-143462922-C-T. GRCh37 (hg19) VCF-style: chr6-143784059-C-T.
Other names: short protein forms S71F.
Identifiers: ClinVar variation 1387168 (VCV001387168.8), dbSNP rs561349643, ClinGen allele CA4029501.

ClinVar aggregate classification (germline): Uncertain significance (1 of 4 stars; one submission).

Allele frequency attached by ClinVar (database versions not stated): gnomAD 0.00001; gnomAD exomes 0.00002 and 0.00003; ExAC 0.00005; 1000 Genomes Project 30x 0.00016; 1000 Genomes Project 0.00020.
gnomAD v4.1: 28 of 1,611,938 alleles (0.0017%); highest among the groups gnomAD compares: South Asian, 0.031%; 2 homozygotes.

Submission:

Labcorp Genetics (formerly Invitae), Labcorp
Classification: Uncertain significance. Last evaluated: 2021-03-26. Review status: criteria provided, single submitter. Criteria: Invitae Variant Classification Sherloc (09022015). Collection method: clinical testing. Allele origin: germline.
Comment: This variant is present in population databases (rs561349643, ExAC 0.04%). This sequence change replaces serine with phenylalanine at codon 71 of the PEX3 protein (p.Ser71Phe). The serine residue is highly conserved and there is a large physicochemical difference between serine and phenylalanine. This variant has not been reported in the literature in individuals with PEX3-related conditions. Algorithms developed to predict the effect of missense changes on protein structure and function are either unavailable or do not agree on the potential impact of this missense change (SIFT: "Deleterious"; PolyPhen-2: "Probably Damaging"; Align-GVGD: "Class C15"). In summary, the available evidence is currently insufficient to determine the role of this variant in disease. Therefore, it has been classified as a Variant of Uncertain Significance.